The following is an entry in ClinVar:

NM_201548.5(CERKL):c.1561_1564dup (p.Tyr522fs)

Genes: CERKL (CERK like autophagy regulator; minus strand), ITGA4 (integrin subunit alpha 4; plus strand). Cytogenetic location: 2q31.3.
Variant type: Duplication.
Coding change: c.1561_1564dup on transcript NM_201548.5 (MANE Select); coding-DNA positions 1561 to 1564, 4 bases duplicated (CTTT; older notation c.1561_1564dupCTTT).
Protein change: p.Tyr522fs; shifts the reading frame from tyrosine 522.
Molecular consequence: frameshift variant. On other transcripts: 3 prime UTR variant (1), non-coding transcript variant (2).
Genome position (GRCh38, 1-based): chr2:181,538,219-181,538,222, AAAG duplicated on the plus strand (CTTT on the coding strand, the reverse complement: CERKL is on the minus strand); duplicating any 4 consecutive bases within chr2:181,538,219-181,538,223 gives the same sequence; the c. name uses the placement nearest the transcript's 3' end. VCF-style (leftmost placement, unchanged base first): chr2-181538218-T-TAAAG. GRCh37 (hg19) VCF-style: chr2-182402945-T-TAAAG.
Other names: c.*2693_*2696dup (NM_000885.6); c.1639_1642dup, p.Tyr548fs (NM_001030311.3); c.1222_1225dup, p.Tyr409fs (NM_001030312.3); c.1354_1357dup, p.Tyr453fs (NM_001030313.3); c.1507_1510dup, p.Tyr504fs (NM_001160277.2); c.1642_1643insCTTT (NM_001030311.3); c.1639_1642dupCTTT (NM_001030311.2); short protein forms Y409fs, Y453fs, Y504fs, Y522fs, Y548fs.
Identifiers: ClinVar variation 3061943 (VCV003061943.2).

ClinVar aggregate classification (germline): Pathogenic/Likely pathogenic. Review status: criteria provided, multiple submitters, no conflicts (2 of 4 stars). 2 submissions from 2 submitters: Pathogenic (1); Likely pathogenic (1). Last evaluated 2025-04-22.

Conditions:
Retinitis pigmentosa 26 (RP26). Identifiers: Orphanet 791, MedGen C1842127, MONDO:0012024, OMIM 608380.

Submissions (2):

Natera, Inc.
Classification: Likely pathogenic for Retinitis Pigmentosa 26. Last evaluated: 2025-04-22. Review status: criteria provided, single submitter. Criteria: Natera Variant Classification Schema (03/2026). Collection method: clinical testing. Allele origin: germline.
Comment: The c.1639_1642dupCTTT variant in CERKL is a frameshift variant predicted to elongate the protein beyond the termination codon. This variant is expected to result in nonsense mediated decay, truncation, or a dysfunctional protein product. This variant is rare in the general population with a frequency below the threshold expected for the associated phenotype(s). Given the available evidence, this variant is classified as Likely Pathogenic.

Department of Medical Genetics, College of Basic Medicine, Army Medical University
Classification: Pathogenic for Retinitis pigmentosa 26. Review status: criteria provided, single submitter. Criteria: ACMG Guidelines, 2015. Collection method: clinical testing. Allele origin: maternal. Inheritance: Autosomal recessive inheritance. Affected: yes.